The following is an entry in ClinVar:

ClinVar aggregate classification (germline): Uncertain significance (1 of 4 stars; one submission).

Submission:

Labcorp Genetics (formerly Invitae), Labcorp
Classification: Uncertain significance. Last evaluated: 2024-10-24. Review status: criteria provided, single submitter. Criteria: Invitae Variant Classification Sherloc (09022015). Collection method: clinical testing. Allele origin: germline.
Comment: This sequence change replaces serine, which is neutral and polar, with phenylalanine, which is neutral and non-polar, at codon 204 of the TPRN protein (p.Ser204Phe). The frequency data for this variant in the population databases is considered unreliable, as metrics indicate insufficient coverage at this position in the gnomAD database. This variant has not been reported in the literature in individuals affected with TPRN-related conditions. ClinVar contains an entry for this variant (Variation ID: 2105040). Invitae Evidence Modeling of protein sequence and biophysical properties (such as structural, functional, and spatial information, amino acid conservation, physicochemical variation, residue mobility, and thermodynamic stability) has been performed for this missense variant. However, the output from this modeling did not meet the statistical confidence thresholds required to predict the impact of this variant on TPRN protein function. In summary, the available evidence is currently insufficient to determine the role of this variant in disease. Therefore, it has been classified as a Variant of Uncertain Significance.

NM_001128228.3(TPRN):c.611C>T (p.Ser204Phe)

Gene: TPRN (taperin; minus strand). Cytogenetic location: 9q34.3.
Variant type: single nucleotide variant.
Coding change: c.611C>T on transcript NM_001128228.3 (MANE Select); coding-DNA position 611, C replaced by T.
Protein change: p.Ser204Phe; replaces serine 204 with phenylalanine.
Molecular consequence: missense variant.
Genome position (GRCh38, 1-based): chr9:137,200,101, G>A on the plus strand (C>T on the coding strand, the complement: TPRN is on the minus strand). VCF-style: chr9-137200101-G-A. GRCh37 (hg19) VCF-style: chr9-140094553-G-A.
Other names: short protein forms S204F.
Identifiers: ClinVar variation 2105040 (VCV002105040.4), dbSNP rs2538731139, ClinGen allele CA375780761.